The following continues an entry in ClinVar:

NM_024675.4(PALB2):c.2257C>T (p.Arg753Ter)

Gene: PALB2. ClinVar aggregate classification (germline): Pathogenic. Pathogenic (26).

Submissions 25 to 31 of 31:

Human Genome Sequencing Center Clinical Lab, Baylor College of Medicine
Classification: Pathogenic for Familial cancer of breast. Last evaluated: 2017-06-03. Review status: criteria provided, single submitter. Criteria: ACMG Guidelines, 2015. Collection method: clinical testing. Allele origin: germline.
Comment: This c.2257C>T (p.Arg753*) variant in the PALB2 gene has been detected in a cohort of 818 breast cancer patients [PMID 21618343]. The variant was also detected in a cohort of 235 Korean patients with hereditary breast cancer [PMID 27783279]. This c.2257C>T (p.Arg753*) variant has also been reported in a compound heterozygous patient with Fanconi Anemia N [PMID 17200671]. This c.2257C>T (p.Arg753*) change has been observed in 6 heterozygous individual in GnomAD. The c.2257C>T change creates a stop codon at amino acid position 753 of the PALB2 protein and is thus predicted to lead to a loss of function of the PALB2 protein. This c.2257C>T (p.Arg753*) variant is thus classified as pathogenic.

Juno Genomics, Hangzhou Juno Genomics, Inc
Classification: Pathogenic for Breast-ovarian cancer, familial, susceptibility to, 5. Review status: criteria provided, single submitter. Criteria: ACMG Guidelines, 2015. Collection method: clinical testing. Allele origin: germline.
Comment: Absent from controls (or at extremely low frequency if recessive) in Genome Aggregation Database.;Null variant in a gene where loss of function (LOF) is a known mechanism of disease.;Novel missense change at an amino acid residue where a different missense change determined to be pathogenic has been seen before.;The prevalence of the variant in affected individuals is significantly increased compared to the prevalence in controls.

BRCAlab, Lund University
Classification: Pathogenic for Hereditary breast ovarian cancer syndrome. Last evaluated: 2022-08-26. Review status: no assertion criteria provided. Collection method: clinical testing. Allele origin: germline. Affected: yes. Not counted in ClinVar's aggregate classification.

Laboratory for Genotyping Development, RIKEN
Classification: Pathogenic for Gastric cancer. Last evaluated: 2021-07-01. Review status: no assertion criteria provided. Collection method: research. Allele origin: germline. Not counted in ClinVar's aggregate classification.

Leiden Open Variation Database
Classification: Pathogenic. Last evaluated: 2019-12-23. Review status: no assertion criteria provided. Collection method: curation. Allele origin: germline. Affected: no. Not counted in ClinVar's aggregate classification.
Comment: Curators: Marc Tischkowitz, Arleen D. Auerbach. Submitters to LOVD: Alfons Meindl, Arleen D. Auerbach, Florentia Fostira, LOVD-team, but with Curator vacancy, Marc Tischkowitz, Yukihide Momozawa.

Counsyl
Classification: Pathogenic for Familial cancer of breast. Last evaluated: 2017-04-25. Review status: no assertion criteria provided. Collection method: clinical testing. Allele origin: unknown. Not counted in ClinVar's aggregate classification.

Department of Pathology and Laboratory Medicine, Sinai Health System
Classification: Pathogenic. Review status: no assertion criteria provided. Collection method: clinical testing. Allele origin: unknown. Affected: yes. Study: The Canadian Open Genetics Repository (COGR). Not counted in ClinVar's aggregate classification.
Comment: The PALB2 p.Arg753X variant was identified in 4 of 2534 proband chromosomes (frequency: 0.002) from German, Korean and Italian individuals or families with BRCA1/2 negative breast cancers and multiethnic individuals with Fanconi anemia, and was not identified in 1500 chromosomes from healthy individuals (Reid 2007, Hellebrand 2011, Kim 2017, Papi 2010). The variant was seen in biallelism with PALB2 3549C>A/Y1183X in 1 Fanconi anemia proband, with both parents carrying each of the alleles (Reid 2007). The variant was also identified in dbSNP (ID: rs180177110) â€šÃ„ÃºWith Pathogenic alleleâ€šÃ„Ã¹, ClinVar (classified as pathogenic by Ambry Genetics, GeneDx and Invitae), Clinvitae (3x), Cosmic (1x in a breast carcinoma), Zhejiang Colon Cancer Database (1x), and in control databases in 6 of 246268 chromosomes at a frequency of 0.00002 (Genome Aggregation Database Feb 27, 2017), noting that the variant falls on 3 transcripts in the PALB2 gene. Breakdown of the observations by population include Other in 1 of 5486 chromosomes (freq: 0.0002), and European Non-Finnish in 5 of 111716 chromosomes (freq: 0.00005), while the variant was not observed in the African, Latino, Ashkenazi Jewish, East Asian, European Finnish, and South Asian populations. The p.Arg753X variant leads to a premature stop codon at position 753 which is predicted to lead to a truncated or absent protein and loss of function. Loss of function variants of the PALB2 gene are an established mechanism of disease in hereditary breast and ovarian cancer and is the type of variant expected to cause the disorder. In summary, based on the above information this variant meets our laboratoryâ€šÃ„Ã´s criteria to be classified as pathogenic.

Literature cited by the submitters: PubMed 17200668 (cited by Labcorp Genetics (formerly Invitae), Labcorp); PubMed 17200671 (cited by 11 submitters); PubMed 17200672 (cited by Labcorp Genetics (formerly Invitae), Labcorp); PubMed 24136930 (cited by Labcorp Genetics (formerly Invitae), Labcorp); PubMed 25099575 (cited by 5 submitters); PubMed 19763884 (cited by 6 submitters); PubMed 20852946 (cited by Labcorp Genetics (formerly Invitae), Labcorp); PubMed 21618343 (cited by 9 submitters); PubMed 25186627 (cited by 6 submitters); PubMed 25452441 (cited by 5 submitters); PubMed 31089269 (cited by 5 submitters); PubMed 32832836 (cited by 3 submitters); PubMed 29566657 (cited by 4 submitters); PubMed 34026625 (cited by Dasa); PubMed 36853301 (cited by Dasa); PubMed 38914840 (cited by Dasa); PubMed 27783279 (cited by 3 submitters); PubMed 27798748 (cited by 3 submitters); PubMed 28423363 (cited by 3 submitters); PubMed 28486781 (cited by 3 submitters); PubMed 28724667 (cited by 5 submitters); PubMed 28779002 (cited by 3 submitters); PubMed 29093764 (cited by 4 submitters); PubMed 29338689 (cited by 4 submitters); PubMed 29752822 (cited by 3 submitters); PubMed 30287823 (cited by 4 submitters); PubMed 30303537 (cited by Ambry Genetics and Mayo Clinic Laboratories, Mayo Clinic); PubMed 30306255 (cited by Ambry Genetics); PubMed 30982232 (cited by Ambry Genetics and Quest Diagnostics Nichols Institute San Juan Capistrano); PubMed 31300551 (cited by 5 submitters); PubMed 31786208 (cited by 4 submitters); PubMed 32339256 (cited by 6 submitters); PubMed 32854451 (cited by 3 submitters); PubMed 32885271 (cited by Ambry Genetics and Color Diagnostics, LLC DBA Color Health); PubMed 28888541 (cited by Mayo Clinic Laboratories, Mayo Clinic); PubMed 30613976 (cited by Mayo Clinic Laboratories, Mayo Clinic); PubMed 33169439 (cited by 3 submitters); PubMed 35171259 (cited by Mayo Clinic Laboratories, Mayo Clinic); PubMed 36974006 (cited by Mayo Clinic Laboratories, Mayo Clinic); PubMed 37436117 (cited by Mayo Clinic Laboratories, Mayo Clinic); PubMed 33471991 (cited by Color Diagnostics, LLC DBA Color Health); PubMed 36605468 (cited by Color Diagnostics, LLC DBA Color Health); PubMed 19264984 (cited by 3 submitters); PubMed 36988593 (cited by Laboratory for Genotyping Development, RIKEN).